The following is an entry in ClinVar:

ClinVar aggregate classification (germline): Uncertain significance (1 of 4 stars; one submission).

Conditions:
Cardiovascular phenotype. Identifiers: MedGen CN230736.

Allele frequency attached by ClinVar (database versions not stated): gnomAD exomes below 0.00001; ExAC 0.00001.
gnomAD v4.1: 1 of 1,613,772 alleles (0.000062%); highest among the groups gnomAD compares: South Asian, 0.0011%; no homozygotes.

Submission:

Ambry Genetics
Classification: Uncertain significance for Cardiovascular phenotype. Last evaluated: 2022-01-26. Review status: criteria provided, single submitter. Criteria: Ambry Variant Classification Scheme 2023. Collection method: clinical testing. Allele origin: germline.
Comment: The p.A1964V variant (also known as c.5891C>T), located in coding exon 24 of the AKAP9 gene, results from a C to T substitution at nucleotide position 5891. The alanine at codon 1964 is replaced by valine, an amino acid with similar properties. This amino acid position is conserved. In addition, this alteration is predicted to be tolerated by in silico analysis. Since supporting evidence is limited at this time, the clinical significance of this alteration remains unclear.

NM_005751.5(AKAP9):c.5891C>T (p.Ala1964Val)

Gene: AKAP9 (A-kinase anchoring protein 9; plus strand). Cytogenetic location: 7q21.2.
Variant type: single nucleotide variant.
Coding change: c.5891C>T on transcript NM_005751.5 (MANE Select); coding-DNA position 5891, C replaced by T.
Protein change: p.Ala1964Val; replaces alanine 1964 with valine.
Molecular consequence: missense variant.
Genome position (GRCh38, 1-based): chr7:92,062,400, C>T. VCF-style: chr7-92062400-C-T. GRCh37 (hg19) VCF-style: chr7-91691714-C-T.
Other names: c.536C>T, p.Ala179Val (NM_001379277.1); c.5891C>T, p.Ala1964Val (NM_147185.3); short protein forms A1964V, A179V.
Identifiers: ClinVar variation 1750320 (VCV001750320.2), dbSNP rs749616629, ClinGen allele CA4336942.